The following is an entry in ClinVar:

NM_152424.4(AMER1):c.659C>A (p.Thr220Asn)

Gene: AMER1 (APC membrane recruitment protein 1; minus strand). Cytogenetic location: Xq11.2.
Variant type: single nucleotide variant.
Coding change: c.659C>A on transcript NM_152424.4 (MANE Select); coding-DNA position 659, C replaced by A.
Protein change: p.Thr220Asn; replaces threonine 220 with asparagine.
Molecular consequence: missense variant.
Genome position (GRCh38, 1-based): chrX:64,192,628, G>T on the plus strand (C>A on the coding strand, the complement: AMER1 is on the minus strand). VCF-style: chrX-64192628-G-T. GRCh37 (hg19) VCF-style: chrX-63412508-G-T.
Other names: c.659C>A (NM_152424.3); short protein forms T220N.
Identifiers: ClinVar variation 2908108 (VCV002908108.4), dbSNP rs202069335, ClinGen allele CA413310123.
Genomic context (GRCh38, chrX:64,192,628, plus strand): 5'-GAAACTTTTGGCCCAGGGGCATCTTGGGGGTTAGCATTTTCCTTTCTAGGGGCTTGGAAG[G>T]TCTCCTCAAAGCAGGGCACCTGAGGGGCTGAGCTCACGTGCTCATGAGGCCTGGCTCTGA-3'
Protein context (NP_689637.3, residues 210-230): SAPQVPCFEE[Thr220Asn]FQAPRKENAN

ClinVar aggregate classification (germline): Conflicting classifications of pathogenicity. Review status: criteria provided, conflicting classifications (1 of 4 stars). 2 submissions from 2 submitters: Uncertain significance (1); Likely benign (1). Last evaluated 2025-01-19.

Conditions:
Inborn genetic diseases. Identifiers: MedGen C0950123, MeSH D030342.

Allele frequency attached by ClinVar (database versions not stated): TOPMed 0.00001.
gnomAD v4.1: 13 of 1,171,671 alleles (0.0011%); highest among the groups gnomAD compares: East Asian, 0.0089%; no homozygotes.

Submissions (2):

Ambry Genetics
Classification: Likely benign for Inborn genetic diseases. Last evaluated: 2025-01-19. Review status: criteria provided, single submitter. Criteria: Ambry Variant Classification Scheme 2023. Collection method: clinical testing. Allele origin: germline.

Labcorp Genetics (formerly Invitae), Labcorp
Classification: Uncertain significance. Last evaluated: 2024-10-29. Review status: criteria provided, single submitter. Criteria: Invitae Variant Classification Sherloc (09022015). Collection method: clinical testing. Allele origin: germline.
Comment: This sequence change replaces threonine, which is neutral and polar, with asparagine, which is neutral and polar, at codon 220 of the AMER1 protein (p.Thr220Asn). This variant is present in population databases (no rsID available, gnomAD 0.01%). This variant has not been reported in the literature in individuals affected with AMER1-related conditions. An algorithm developed to predict the effect of missense changes on protein structure and function (PolyPhen-2) suggests that this variant is likely to be tolerated. In summary, the available evidence is currently insufficient to determine the role of this variant in disease. Therefore, it has been classified as a Variant of Uncertain Significance.